The following is an entry in ClinVar:

ClinVar aggregate classification (germline): Pathogenic (1 of 4 stars; one submission).

Conditions:
Niemann-Pick disease, type C1. Also called: NEUROVISCERAL STORAGE DISEASE WITH VERTICAL SUPRANUCLEAR OPHTHALMOPLEGIA; NIEMANN-PICK DISEASE WITH CHOLESTEROL ESTERIFICATION BLOCK; NIEMANN-PICK DISEASE WITHOUT SPHINGOMYELINASE DEFICIENCY; NIEMANN-PICK DISEASE, CHRONIC NEURONOPATHIC FORM; NIEMANN-PICK DISEASE, VARIANT TYPE C1. Identifiers: Orphanet 646, MedGen C3179455, MONDO:0009757, OMIM 257220.

Submission:

Myriad Genetics, Inc.
Classification: Pathogenic for Niemann-Pick disease, type C1. Last evaluated: 2026-08-15. Review status: criteria provided, single submitter. Criteria: Myriad Autosomal Dominant, Autosomal Recessive and X-Linked Classification Criteria (2023). Collection method: clinical testing. Allele origin: unknown.
Comment: NM_000271.4(NPC1):c.2730dupC(G911Rfs*7) is expected to be pathogenic in the context of Niemann-Pick disease type C1. This variant is predicted to lead to an abnormal or absent protein product due to the creation of a premature termination codon in NPC1, a gene where loss-of-function variants are known to be pathogenic. Please note: this variant was assessed in the context of healthy population screening.

NM_000271.5(NPC1):c.2730dup (p.Gly911fs)

Gene: NPC1 (NPC intracellular cholesterol transporter 1; minus strand). Cytogenetic location: 18q11.2.
Variant type: Duplication.
Coding change: c.2730dup on transcript NM_000271.5 (MANE Select); coding-DNA position 2730, one base duplicated (C; older notation c.2730dupC).
Protein change: p.Gly911fs; shifts the reading frame from glycine 911.
Molecular consequence: frameshift variant.
Genome position (GRCh38, 1-based): chr18:23,539,876, G duplicated on the plus strand (C on the coding strand, the reverse complement: NPC1 is on the minus strand). VCF-style (leftmost placement, unchanged base first): chr18-23539875-C-CG. GRCh37 (hg19) VCF-style: chr18-21119839-C-CG.
Other names: short protein forms G911fs.
Identifiers: ClinVar variation 5016237 (VCV005016237.1).